The following is an entry in ClinVar:

NM_001267550.2(TTN):c.13937C>G (p.Ser4646Ter)

Gene: TTN (titin; minus strand). Cytogenetic location: 2q31.2.
Variant type: single nucleotide variant.
Coding change: c.13937C>G on transcript NM_001267550.2 (MANE Select); coding-DNA position 13937, C replaced by G.
Protein change: p.Ser4646Ter; replaces serine 4646 with a stop codon.
Molecular consequence: nonsense. On other transcripts: intron variant (1).
Genome position (GRCh38, 1-based): chr2:178,739,296, G>C on the plus strand (C>G on the coding strand, the complement: TTN is on the minus strand). VCF-style: chr2-178739296-G-C. GRCh37 (hg19) VCF-style: chr2-179604023-G-C.
Other names: c.12986C>G, p.Ser4329Ter (NM_001256850.1); c.12848C>G, p.Ser4283Ter (NM_003319.4); c.13223C>G, p.Ser4408Ter (NM_133432.3); c.13424C>G, p.Ser4475Ter (NM_133437.4); c.10361-936C>G (NM_133378.4); short protein forms S4408*, S4646*, S4283*, S4329*, S4475*.
Identifiers: ClinVar variation 1768519 (VCV001768519.4), dbSNP rs2530597033, ClinGen allele CA349605643.

ClinVar aggregate classification (germline): Likely pathogenic. Review status: criteria provided, multiple submitters, no conflicts (2 of 4 stars). 2 submissions from 2 submitters: Likely pathogenic (2). Last evaluated 2025-05-30.

Conditions:
Cardiovascular phenotype. Identifiers: MedGen CN230736.
Dilated cardiomyopathy 1G (CMD1G). Identifiers: Orphanet 154, MedGen C1858763, MONDO:0011400, OMIM 604145.
Autosomal recessive limb-girdle muscular dystrophy type 2J (LGMDR10). Also called: Limb-girdle muscular dystrophy, type 2J; MUSCULAR DYSTROPHY, LIMB-GIRDLE, AUTOSOMAL RECESSIVE 10. Identifiers: Orphanet 140922, MedGen C1837342, MONDO:0012127, OMIM 608807.

Submissions (2):

Labcorp Genetics (formerly Invitae), Labcorp
Classification: Likely pathogenic for Dilated cardiomyopathy 1G; Autosomal recessive limb-girdle muscular dystrophy type 2J. Last evaluated: 2025-05-30. Review status: criteria provided, single submitter. Criteria: Invitae Variant Classification Sherloc (09022015). Collection method: clinical testing. Allele origin: germline.
Comment: This sequence change creates a premature translational stop signal (p.Ser4646*) in the TTN gene. While this is not anticipated to result in nonsense mediated decay, it is expected to create a truncated TTN protein. This variant is not present in population databases (gnomAD no frequency). This variant has not been observed in the literature in individuals with autosomal recessive TTN-related conditions. This variant has been reported in individual(s) with dilated cardiomyopathy (internal data); however, the role of the variant in this condition is currently unclear. ClinVar contains an entry for this variant (Variation ID: 1768519). This variant is located in the I band of TTN (PMID: 25589632). Truncating variants in this region have been reported in individuals affected with autosomal recessive centronuclear myopathy (PMID: 23975875, internal data). Truncating variants in this region have also been identified in individuals affected with autosomal dominant dilated cardiomyopathy and/or cardio-related conditions (PMID: 27869827, 32964742, internal data). In summary, the currently available evidence indicates that the variant is pathogenic, but additional data are needed to prove that conclusively. Therefore, this variant has been classified as Likely Pathogenic.

Ambry Genetics
Classification: Likely pathogenic for Cardiovascular phenotype. Last evaluated: 2021-11-17. Review status: criteria provided, single submitter. Criteria: Ambry Variant Classification Scheme 2023. Collection method: clinical testing. Allele origin: germline.
Comment: The p.S4283* variant (also known as c.12848C>G), located in coding exon 44 of the TTN gene, results from a C to G substitution at nucleotide position 12848. This changes the amino acid from a serine to a stop codon within coding exon 44. This exon is located in the I-band region of the N2-B isoform of the titin protein and is constitutively expressed in TTN transcripts (percent spliced in or PSI 100%). This variant is considered to be rare based on population cohorts in the Genome Aggregation Database (gnomAD). This alteration is expected to result in loss of function by premature protein truncation or nonsense-mediated mRNA decay. While truncating variants in TTN are present in 1-3% of the general population, truncating variants in the A-band are the most common cause of dilated cardiomyopathy (DCM) (Herman DS et al. N. Engl. J. Med., 2012 Feb;366:619-28; Roberts AM et al. Sci Transl Med, 2015 Jan;7:270ra6). TTN truncating variants encoded in constitutive exons (PSI >90%) have been found to be significantly associated with DCM regardless of their position in titin (Schafer S et al. Nat. Genet., 2017 01;49:46-53). As such, this alteration is classified as likely pathogenic.

Literature cited by the submitters: PubMed 25589632 (cited by Labcorp Genetics (formerly Invitae), Labcorp); PubMed 23975875 (cited by Labcorp Genetics (formerly Invitae), Labcorp); PubMed 27869827 (cited by Labcorp Genetics (formerly Invitae), Labcorp); PubMed 32964742 (cited by Labcorp Genetics (formerly Invitae), Labcorp).